The following is an entry in ClinVar:

ClinVar aggregate classification (germline): Uncertain significance. Review status: criteria provided, multiple submitters, no conflicts (2 of 4 stars). 3 submissions from 3 submitters: Uncertain significance (3). Last evaluated 2025-08-04.

Allele frequency attached by ClinVar (database versions not stated): ExAC 0.00001; gnomAD exomes 0.00001; TOPMed 0.00002.
gnomAD v4.1: 19 of 1,613,728 alleles (0.0012%); highest among the groups gnomAD compares: South Asian, 0.0033%; no homozygotes.

Submissions (3):

Ambry Genetics
Classification: Uncertain significance. Last evaluated: 2025-08-04. Review status: criteria provided, single submitter. Criteria: Ambry Variant Classification Scheme 2023. Collection method: clinical testing. Allele origin: germline.

Blueprint Genetics
Classification: Uncertain significance. Last evaluated: 2022-04-28. Review status: criteria provided, single submitter. Criteria: ACMG Guidelines, 2015. Collection method: clinical testing. Allele origin: germline.

Labcorp Genetics (formerly Invitae), Labcorp
Classification: Uncertain significance. Last evaluated: 2021-11-19. Review status: criteria provided, single submitter. Criteria: Invitae Variant Classification Sherloc (09022015). Collection method: clinical testing. Allele origin: germline.
Comment: In summary, the available evidence is currently insufficient to determine the role of this variant in disease. Therefore, it has been classified as a Variant of Uncertain Significance. Algorithms developed to predict the effect of missense changes on protein structure and function output the following: SIFT: "Not Available"; PolyPhen-2: "Possibly Damaging"; Align-GVGD: "Not Available". The serine amino acid residue is found in multiple mammalian species, which suggests that this missense change does not adversely affect protein function. This variant has not been reported in the literature in individuals affected with CEP250-related conditions. This variant is present in population databases (rs776545208, gnomAD 0.003%). This sequence change replaces glycine, which is neutral and non-polar, with serine, which is neutral and polar, at codon 175 of the CEP250 protein (p.Gly175Ser).

NM_007186.6(CEP250):c.523G>A (p.Gly175Ser)

Gene: CEP250 (centrosomal protein 250; plus strand). Cytogenetic location: 20q11.22.
Variant type: single nucleotide variant.
Coding change: c.523G>A on transcript NM_007186.6 (MANE Select); coding-DNA position 523, G replaced by A.
Protein change: p.Gly175Ser; replaces glycine 175 with serine.
Molecular consequence: missense variant. On other transcripts: 5 prime UTR variant (1).
Genome position (GRCh38, 1-based): chr20:35,466,996, G>A. VCF-style: chr20-35466996-G-A. GRCh37 (hg19) VCF-style: chr20-34054821-G-A.
Other names: c.523G>A (NM_007186.3); c.-1377G>A (NM_001318219.1); short protein forms G175S.
Identifiers: ClinVar variation 1443762 (VCV001443762.7), dbSNP rs776545208, ClinGen allele CA9832634.